The following is an entry in ClinVar:

ClinVar aggregate classification (germline): Likely benign (1 of 4 stars; one submission).

gnomAD v4.1: 1 of 1,613,698 alleles (0.000062%); highest among the groups gnomAD compares: East Asian, 0.0022%; no homozygotes.

Submission:

Laboratory for Molecular Medicine, Mass General Brigham Personalized Medicine
Classification: Likely benign. Last evaluated: 2015-04-22. Review status: criteria provided, single submitter. Criteria: LMM Criteria. Collection method: clinical testing. Allele origin: germline. Observed: 1 variant allele.
Comment: p.Asn652Asn in exon 18 of CDH23: This variant is not expected to have clinical s ignificance because it does not alter an amino acid residue and is not located w ithin the splice consensus sequence.

NM_022124.6(CDH23):c.1956C>T (p.Asn652=)

Gene: CDH23 (cadherin related 23; plus strand). Cytogenetic location: 10q22.1.
Variant type: single nucleotide variant.
Coding change: c.1956C>T on transcript NM_022124.6 (MANE Select); coding-DNA position 1956, C replaced by T.
Protein change: p.Asn652=; no amino-acid change (asparagine 652 retained).
Molecular consequence: synonymous variant.
Genome position (GRCh38, 1-based): chr10:71,682,542, C>T. VCF-style: chr10-71682542-C-T. GRCh37 (hg19) VCF-style: chr10-73442299-C-T.
Other names: c.1956C>T, p.Asn652= (NM_001171930.2, NM_001171931.2).
Identifiers: ClinVar variation 227218 (VCV000227218.4), dbSNP rs876657436, ClinGen allele CA10576808.